The following is an entry in ClinVar:

NM_000264.5(PTCH1):c.3784C>G (p.Pro1262Ala)

Gene: PTCH1 (patched 1; minus strand). Cytogenetic location: 9q22.32.
Variant type: single nucleotide variant.
Coding change: c.3784C>G on transcript NM_000264.5 (MANE Select); coding-DNA position 3784, C replaced by G.
Protein change: p.Pro1262Ala; replaces proline 1262 with alanine.
Molecular consequence: missense variant. On other transcripts: non-coding transcript variant (1).
Genome position (GRCh38, 1-based): chr9:95,449,089, G>C on the plus strand (C>G on the coding strand, the complement: PTCH1 is on the minus strand). VCF-style: chr9-95449089-G-C. GRCh37 (hg19) VCF-style: chr9-98211371-G-C.
Other names: c.3586C>G, p.Pro1196Ala (NM_001083602.3); c.3781C>G, p.Pro1261Ala (NM_001083603.3); c.3331C>G, p.Pro1111Ala (NM_001083604.3, NM_001083605.3, NM_001083606.3 and 1 more transcripts); c.3628C>G, p.Pro1210Ala (NM_001354918.2); short protein forms P1111A, P1261A, P1262A, P1196A, P1210A.
Identifiers: ClinVar variation 3939946 (VCV003939946.1).

ClinVar aggregate classification (germline): Uncertain significance (1 of 4 stars; one submission).

Conditions:
Hereditary cancer-predisposing syndrome. Also called: Tumor predisposition; Hereditary neoplastic syndrome; Hereditary Cancer Syndrome; Neoplastic Syndromes, Hereditary. Identifiers: Orphanet 140162, MedGen C0027672, MeSH D009386, MONDO:0015356.

gnomAD v4.1: 2 of 1,614,238 alleles (0.00012%); no homozygotes.

Submission:

Ambry Genetics
Classification: Uncertain significance for Hereditary cancer-predisposing syndrome. Last evaluated: 2025-04-09. Review status: criteria provided, single submitter. Criteria: Ambry Variant Classification Scheme 2023. Collection method: clinical testing. Allele origin: germline.
Comment: The p.P1262A variant (also known as c.3784C>G), located in coding exon 22 of the PTCH1 gene, results from a C to G substitution at nucleotide position 3784. The proline at codon 1262 is replaced by alanine, an amino acid with highly similar properties. This amino acid position is conserved. In addition, this alteration is predicted to be deleterious by in silico analysis. Based on the available evidence, the clinical significance of this variant remains unclear.